The following is an entry in ClinVar:

NM_001367624.2(ZNF469):c.5625G>A (p.Leu1875=)

Gene: ZNF469 (zinc finger protein 469; plus strand). Cytogenetic location: 16q24.2.
Variant type: single nucleotide variant.
Coding change: c.5625G>A on transcript NM_001367624.2 (MANE Select); coding-DNA position 5625, G replaced by A.
Protein change: p.Leu1875=; no amino-acid change (leucine 1875 retained).
Molecular consequence: synonymous variant.
Genome position (GRCh38, 1-based): chr16:88,433,095, G>A. VCF-style: chr16-88433095-G-A. GRCh37 (hg19) VCF-style: chr16-88499503-G-A.
Other names: p.Leu1875=.
Identifiers: ClinVar variation 4684119 (VCV004684119.1).

ClinVar aggregate classification (germline): Likely benign (1 of 4 stars; one submission).

gnomAD v4.1: 6 of 1,550,310 alleles (0.00039%); highest among the groups gnomAD compares: Non-Finnish European, 0.00052%; no homozygotes.

Submission:

Mayo Clinic Laboratories, Mayo Clinic
Classification: Likely benign. Last evaluated: 2025-07-16. Review status: criteria provided, single submitter. Criteria: ACMG Guidelines, 2015. Collection method: clinical testing. Allele origin: germline. Observed: 1 variant allele.
Comment: BP4, BP7, PM2_supporting